The following is an entry in ClinVar:

ClinVar aggregate classification (germline): Pathogenic/Likely pathogenic. Review status: criteria provided, multiple submitters, no conflicts (2 of 4 stars). 7 submissions from 7 submitters: Pathogenic (4); Likely pathogenic (3). Last evaluated 2026-03-18.

Conditions:
Aplastic anemia. Identifiers: Orphanet 182040, Orphanet 88, MedGen C0002874, MONDO:0015909, OMIM 609135, HP:0001915.
Lymphoma, non-Hodgkin, familial. Identifiers: MedGen C4721532, MONDO:0011508, OMIM 605027.
Familial hemophagocytic lymphohistiocytosis 2 (FHL2). Also called: PRF1-Related Familial Hemophagocytic Lymphohistiocytosis (PRF1-fHLH). Identifiers: Orphanet 540, MedGen C1863727, MONDO:0011337, OMIM 603553.
Familial hemophagocytic lymphohistiocytosis (FHL). Also called: Familial erythrophagocytic lymphohistiocytosis; Familial histiocytic reticulosis; Hereditary hemophagocytic lymphohistiocytosis. Identifiers: Orphanet 158038, Orphanet 540, MedGen C0272199, MONDO:0015541.
PRF1-related disorder. Also called: PRF1-related condition.

Allele frequency attached by ClinVar (database versions not stated): TOPMed below 0.00001; gnomAD 0.00002.

Submissions (7):

Victorian Clinical Genetics Services, Murdoch Childrens Research Institute
Classification: Pathogenic for Familial hemophagocytic lymphohistiocytosis 2. Last evaluated: 2026-03-18. Review status: criteria provided, single submitter. Criteria: ACMG Guidelines, 2015. Collection method: clinical testing. Allele origin: germline. Affected: yes.
Comment: This variant is classified as Pathogenic. Evidence in support of pathogenic classification: Variant is predicted to result in a loss of the canonical translation initiation codon (ATG); Variant is present in gnomAD <0.01 for a recessive condition (v4: 20 heterozygote(s), 0 homozygote(s)); This variant has strong previous evidence of pathogenicity in unrelated individuals. This variant has been classified as pathogenic or likely pathogenic by clinical laboratories in ClinVar. It has also been reported in a homozygous or compound heterozygous state in at least ten individuals with familial hemophagocytic lymphohistiocytosis (PMID: 17873118, 23592409). Additional information: This variant is heterozygous; This gene is associated with autosomal recessive disease; Loss of function is a known mechanism of disease in this gene and is associated with familial hemophagocytic lymphohistiocytosis type 2 (MIM#603553); Heterozygous variant detected in trans with a second PATHOGENIC heterozygous variant (NM_001083116.3(PRF1):c.853_855del; p.(Lys285del)) in a recessive disease.

Myriad Genetics, Inc.
Classification: Likely pathogenic for Familial hemophagocytic lymphohistiocytosis 2. Last evaluated: 2025-08-06. Review status: criteria provided, single submitter. Criteria: Myriad Autosomal Dominant, Autosomal Recessive and X-Linked Classification Criteria (2023). Collection method: clinical testing. Allele origin: unknown.
Comment: NM_001083116.1(PRF1):c.3G>A(M1?) is an initiation codon variant classified as likely pathogenic in the context of familial hemophagocytic lymphohistiocytosis, PRF1-related. M1? has been observed in cases with relevant disease (PMID: 16278825, 12060139, 36007526, 14757862). Relevant functional assessments of this variant are not available in the literature. M1? has been observed in referenced population frequency databases. In summary, NM_001083116.1(PRF1):c.3G>A(M1?) is an initiation codon variant that has been observed more frequently in cases with the relevant disease than in healthy populations. Please note: this variant was assessed in the context of healthy population screening.

Blueprint Genetics
Classification: Pathogenic for PRF1-related disorders. Last evaluated: 2024-09-06. Review status: criteria provided, single submitter. Criteria: ACMG Guidelines, 2015. Collection method: clinical testing. Allele origin: germline. Affected: yes. Observed: 1 variant allele.

GeneDx
Classification: Pathogenic. Last evaluated: 2024-06-16. Review status: criteria provided, single submitter. Criteria: GeneDx Variant Classification Process June 2021. Collection method: clinical testing. Allele origin: germline. Affected: yes.
Comment: Initiation codon variant in a gene for which loss of function is a known mechanism of disease; Not observed at significant frequency in large population cohorts (gnomAD); This variant is associated with the following publications: (PMID: 16278825, 14757862, 29625052, 36007526, 12060139, 36451132)

Fulgent Genetics
Classification: Likely pathogenic for Familial hemophagocytic lymphohistiocytosis 2; Lymphoma, non-Hodgkin, familial; Aplastic anemia. Last evaluated: 2024-05-13. Review status: criteria provided, single submitter. Criteria: ACMG Guidelines, 2015. Collection method: clinical testing. Allele origin: germline.

Labcorp Genetics (formerly Invitae), Labcorp
Classification: Pathogenic for Familial hemophagocytic lymphohistiocytosis 2. Last evaluated: 2024-01-01. Review status: criteria provided, single submitter. Criteria: Invitae Variant Classification Sherloc (09022015). Collection method: clinical testing. Allele origin: germline.
Comment: This sequence change affects the initiator methionine of the PRF1 mRNA. The next in-frame methionine is located at codon 288. The frequency data for this variant in the population databases is considered unreliable, as metrics indicate poor data quality at this position in the gnomAD database. Disruption of the initiator codon has been observed in individual(s) with hemophagocytic lymphohistiocytosis (PMID: 12060139, 12716377, 26199792, 29095814). ClinVar contains an entry for this variant (Variation ID: 1301336). For these reasons, this variant has been classified as Pathogenic.

Women's Health and Genetics/Laboratory Corporation of America, LabCorp
Classification: Likely pathogenic for Familial hemophagocytic lymphohistiocytosis. Last evaluated: 2021-09-03. Review status: criteria provided, single submitter. Criteria: LabCorp Variant Classification Summary - May 2015. Collection method: clinical testing. Allele origin: germline.
Comment: Variant summary: PRF1 c.3G>A (p.Met1Ile) alters the initiation codon and is predicted to result either in absence of the protein or truncation of the encoded protein due to translation initiation at a downstream codon. Two of four in-silico tools predict a benign effect and two predict a damaging effect of the variant on protein function. The variant allele was found at a frequency of 5.4e-06 in 185260 control chromosomes (gnomAD). c.3G>A has been reported in the literature in individuals affected with Familial Hemophagocytic Lymphohistiocytosis (e.g. Feldmann_2002, Molleran Lee_2004, Zur Stadt_2006). In one of the compound heterozygous patients with the variant, perforin protein expression in NK cells was found to be <1% (Molleran Lee_2004). These data indicate that the variant is likely to be associated with disease. No clinical diagnostic laboratories have submitted clinical-significance assessments for this variant to ClinVar after 2014. Other missense variants affecting the initiation codon of PRF1 are reported in HGMD as disease-associated and are cited in ClinVar as pathogenic (e.g. p.Met1Thr, p.Met1Val). Based on the evidence outlined above, the variant was classified as likely pathogenic.

Literature cited by the submitters: PubMed 17873118 (cited by Victorian Clinical Genetics Services, Murdoch Childrens Research Institute); PubMed 23592409 (cited by Victorian Clinical Genetics Services, Murdoch Childrens Research Institute); PubMed 12060139 (cited by 3 submitters); PubMed 14757862 (cited by Myriad Genetics, Inc. and Women's Health and Genetics/Laboratory Corporation of America, LabCorp); PubMed 16278825 (cited by Myriad Genetics, Inc. and Women's Health and Genetics/Laboratory Corporation of America, LabCorp); PubMed 36007526 (cited by Myriad Genetics, Inc.); PubMed 12716377 (cited by Labcorp Genetics (formerly Invitae), Labcorp); PubMed 26199792 (cited by Labcorp Genetics (formerly Invitae), Labcorp); PubMed 29095814 (cited by Labcorp Genetics (formerly Invitae), Labcorp).

NM_001083116.3(PRF1):c.3G>A (p.Met1Ile)

Gene: PRF1 (perforin 1; minus strand). Cytogenetic location: 10q22.1.
Variant type: single nucleotide variant.
Coding change: c.3G>A on transcript NM_001083116.3 (MANE Select); coding-DNA position 3, G replaced by A.
Protein change: p.Met1Ile; changes the start codon (methionine 1).
Molecular consequence: missense variant, initiator codon variant.
Genome position (GRCh38, 1-based): chr10:70,600,900, C>T on the plus strand (G>A on the coding strand, the complement: PRF1 is on the minus strand). VCF-style: chr10-70600900-C-T. GRCh37 (hg19) VCF-style: chr10-72360656-C-T.
Other names: c.3G>A, p.Met1Ile (NM_005041.6); short protein forms M1I.
Identifiers: ClinVar variation 1301336 (VCV001301336.16), dbSNP rs758728749, ClinGen allele CA5539153.